The following is an entry in ClinVar:

NM_000321.3(RB1):c.1467C>G (p.Cys489Trp)

Gene: RB1 (RB transcriptional corepressor 1; plus strand). Cytogenetic location: 13q14.2.
Variant type: single nucleotide variant.
Coding change: c.1467C>G on transcript NM_000321.3 (MANE Select); coding-DNA position 1467, C replaced by G.
Protein change: p.Cys489Trp; replaces cysteine 489 with tryptophan.
Molecular consequence: missense variant.
Genome position (GRCh38, 1-based): chr13:48,380,210, C>G. VCF-style: chr13-48380210-C-G. GRCh37 (hg19) VCF-style: chr13-48954346-C-G.
Other names: c.1467C>G (NM_000321.2); short protein forms C489W.
Identifiers: ClinVar variation 1054608 (VCV001054608.12), dbSNP rs141608408, ClinGen allele CA388162864.

ClinVar aggregate classification (germline): Uncertain significance. Review status: criteria provided, multiple submitters, no conflicts (2 of 4 stars). 3 submissions from 3 submitters: Uncertain significance (3). Last evaluated 2026-06-30.

Conditions:
Retinoblastoma (RB1). Also called: RETINOBLASTOMA, SOMATIC. Identifiers: Orphanet 790, MedGen C0035335, MeSH D012175, MONDO:0008380, OMIM 180200, HP:0009919. Disease mechanism: loss of function. Inheritance: Both sporadic and heritable forms are tested..
Hereditary cancer-predisposing syndrome. Also called: Tumor predisposition; Hereditary Cancer Syndrome; Hereditary neoplastic syndrome; Neoplastic Syndromes, Hereditary. Identifiers: Orphanet 140162, MedGen C0027672, MeSH D009386, MONDO:0015356.

Submissions (3):

Ambry Genetics
Classification: Uncertain significance for Hereditary cancer-predisposing syndrome. Last evaluated: 2026-06-30. Review status: criteria provided, single submitter. Criteria: Ambry Variant Classification Scheme 2023. Collection method: clinical testing. Allele origin: germline.
Comment: The p.C489W variant (also known as c.1467C>G), located in coding exon 16 of the RB1 gene, results from a C to G substitution at nucleotide position 1467. The cysteine at codon 489 is replaced by tryptophan, an amino acid with highly dissimilar properties. This amino acid position is highly conserved in available vertebrate species. In addition, this alteration is predicted to be deleterious by in silico analysis. Based on the available evidence, the clinical significance of this variant remains unclear.

St. Jude Molecular Pathology, St. Jude Children's Research Hospital
Classification: Uncertain significance for Retinoblastoma. Last evaluated: 2025-06-17. Review status: criteria provided, single submitter. Criteria: St. Jude Assertion Criteria 2020. Collection method: clinical testing. Allele origin: germline.
Comment: The RB1 c.1467C>G p.(Cys489Trp) missense change is absent in gnomAD v2.1.1. The in silico tool REVEL predicts a deleterious effect on protein function, but to our knowledge this prediction has not been confirmed by functional studies. In summary, the evidence currently available is insufficient to determine the clinical significance of this variant. It has therefore been classified as of uncertain significance.

Labcorp Genetics (formerly Invitae), Labcorp
Classification: Uncertain significance for Retinoblastoma. Last evaluated: 2024-06-02. Review status: criteria provided, single submitter. Criteria: Invitae Variant Classification Sherloc (09022015). Collection method: clinical testing. Allele origin: germline.
Comment: This sequence change replaces cysteine, which is neutral and slightly polar, with tryptophan, which is neutral and slightly polar, at codon 489 of the RB1 protein (p.Cys489Trp). This variant is not present in population databases (gnomAD no frequency). This variant has not been reported in the literature in individuals affected with RB1-related conditions. ClinVar contains an entry for this variant (Variation ID: 1054608). Advanced modeling of protein sequence and biophysical properties (such as structural, functional, and spatial information, amino acid conservation, physicochemical variation, residue mobility, and thermodynamic stability) performed at Invitae indicates that this missense variant is expected to disrupt RB1 protein function with a positive predictive value of 80%. In summary, the available evidence is currently insufficient to determine the role of this variant in disease. Therefore, it has been classified as a Variant of Uncertain Significance.